The following is an entry in ClinVar:

NM_031229.4(RBCK1):c.653G>T (p.Arg218Leu)

Gene: RBCK1 (RANBP2-type and C3HC4-type zinc finger containing 1; plus strand). Cytogenetic location: 20p13.
Variant type: single nucleotide variant.
Coding change: c.653G>T on transcript NM_031229.4 (MANE Select); coding-DNA position 653, G replaced by T.
Protein change: p.Arg218Leu; replaces arginine 218 with leucine.
Molecular consequence: missense variant. On other transcripts: non-coding transcript variant (1).
Genome position (GRCh38, 1-based): chr20:419,628, G>T. VCF-style: chr20-419628-G-T. GRCh37 (hg19) VCF-style: chr20-400272-G-T.
Other names: c.304G>T, p.Gly102Trp (NM_001323956.2, NM_001323958.2); c.527G>T, p.Arg176Leu (NM_006462.6); short protein forms G102W, R218L, R176L.
Identifiers: ClinVar variation 1525551 (VCV001525551.6), dbSNP rs764357407, ClinGen allele CA407924887.

ClinVar aggregate classification (germline): Uncertain significance (1 of 4 stars; one submission).

Conditions:
Polyglucosan body myopathy type 1 (PGBM1). Also called: Polyglucosan body myopathy 1 with or without immunodeficiency; POLYGLUCOSAN BODY MYOPATHY WITHOUT IMMUNODEFICIENCY. Identifiers: Orphanet 329173, Orphanet 397937, MedGen C4014605, MONDO:0014389, OMIM 615895.

Submission:

Labcorp Genetics (formerly Invitae), Labcorp
Classification: Uncertain significance for Polyglucosan body myopathy type 1. Last evaluated: 2022-07-19. Review status: criteria provided, single submitter. Criteria: Invitae Variant Classification Sherloc (09022015). Collection method: clinical testing. Allele origin: germline.
Comment: This variant is not present in population databases (gnomAD no frequency). In summary, the available evidence is currently insufficient to determine the role of this variant in disease. Therefore, it has been classified as a Variant of Uncertain Significance. Algorithms developed to predict the effect of missense changes on protein structure and function are either unavailable or do not agree on the potential impact of this missense change (SIFT: "Not Available"; PolyPhen-2: "Benign"; Align-GVGD: "Not Available"). ClinVar contains an entry for this variant (Variation ID: 1525551). This variant has not been reported in the literature in individuals affected with RBCK1-related conditions. This sequence change replaces arginine with leucine at codon 218 of the RBCK1 protein (p.Arg218Leu). The arginine residue is highly conserved and there is a moderate physicochemical difference between arginine and leucine.